The following is an entry in ClinVar:

NM_005560.6(LAMA5):c.10885G>A (p.Val3629Met)

Gene: LAMA5 (laminin subunit alpha 5; minus strand). Cytogenetic location: 20q13.33.
Variant type: single nucleotide variant.
Coding change: c.10885G>A on transcript NM_005560.6 (MANE Select); coding-DNA position 10885, G replaced by A.
Protein change: p.Val3629Met; replaces valine 3629 with methionine.
Molecular consequence: missense variant.
Genome position (GRCh38, 1-based): chr20:62,309,779, C>T on the plus strand (G>A on the coding strand, the complement: LAMA5 is on the minus strand). VCF-style: chr20-62309779-C-T. GRCh37 (hg19) VCF-style: chr20-60884835-C-T.
Other names: short protein forms V3629M.
Identifiers: ClinVar variation 1921364 (VCV001921364.12), dbSNP rs756967865, ClinGen allele CA9939552.

ClinVar aggregate classification (germline): Uncertain significance. Review status: criteria provided, multiple submitters, no conflicts (2 of 4 stars). 2 submissions from 2 submitters: Uncertain significance (2). Last evaluated 2025-05-01.

Allele frequency attached by ClinVar (database versions not stated): ExAC 0.00002; TOPMed 0.00002; gnomAD 0.00003.

Submissions (2):

CeGaT Center for Human Genetics Tuebingen
Classification: Uncertain significance. Last evaluated: 2025-05-01. Review status: criteria provided, single submitter. Criteria: CeGaT Center For Human Genetics Tuebingen Variant Classification Criteria Version 2. Collection method: clinical testing. Allele origin: germline. Affected: yes. Observed: 1 variant allele.
Comment: LAMA5: PM2, BP4

Labcorp Genetics (formerly Invitae), Labcorp
Classification: Uncertain significance. Last evaluated: 2022-04-18. Review status: criteria provided, single submitter. Criteria: Invitae Variant Classification Sherloc (09022015). Collection method: clinical testing. Allele origin: germline.
Comment: This sequence change replaces valine, which is neutral and non-polar, with methionine, which is neutral and non-polar, at codon 3629 of the LAMA5 protein (p.Val3629Met). This variant is present in population databases (rs756967865, gnomAD 0.009%). This variant has not been reported in the literature in individuals affected with LAMA5-related conditions. Algorithms developed to predict the effect of missense changes on protein structure and function output the following: SIFT: "Deleterious"; PolyPhen-2: "Benign"; Align-GVGD: "Class C0". The methionine amino acid residue is found in multiple mammalian species, which suggests that this missense change does not adversely affect protein function. In summary, the available evidence is currently insufficient to determine the role of this variant in disease. Therefore, it has been classified as a Variant of Uncertain Significance.